The following is an entry in ClinVar:

ClinVar aggregate classification (germline): Conflicting classifications of pathogenicity. Review status: criteria provided, conflicting classifications (1 of 4 stars). 3 submissions from 3 submitters: Uncertain significance (1); Likely benign (1). 1 of the submissions does not count toward it. Last evaluated 2023-03-23.

Conditions:
Hereditary cancer-predisposing syndrome. Also called: Hereditary neoplastic syndrome; Tumor predisposition; Neoplastic Syndromes, Hereditary; Hereditary Cancer Syndrome. Identifiers: Orphanet 140162, MedGen C0027672, MeSH D009386, MONDO:0015356.
Chordoma. Identifiers: Orphanet 178, MedGen C0008487, MONDO:0008978, HP:0010762.

Submissions (3):

University of Washington Department of Laboratory Medicine, University of Washington
Classification: Likely benign for Hereditary cancer-predisposing syndrome. Last evaluated: 2023-03-23. Review status: criteria provided, single submitter. Criteria: Dines et al. (Genet Med. 2020). Collection method: curation. Allele origin: germline.
Comment: Missense variant in a coldspot region where missense variants are very unlikely to be pathogenic (PMID:31911673).

BRCA2 exon 11 coldspot. Reclassification based on statistical prior probability.

Ambry Genetics
Classification: Uncertain significance for Hereditary cancer-predisposing syndrome. Last evaluated: 2022-03-01. Review status: criteria provided, single submitter. Criteria: Ambry Variant Classification Scheme 2023. Collection method: clinical testing. Allele origin: germline.
Comment: The p.E714A variant (also known as c.2141A>C), located in coding exon 10 of the BRCA2 gene, results from an A to C substitution at nucleotide position 2141. The glutamic acid at codon 714 is replaced by alanine, an amino acid with dissimilar properties. This amino acid position is conserved. In addition, this alteration is predicted to be tolerated by in silico analysis. Since supporting evidence is limited at this time, the clinical significance of this alteration remains unclear.

Integrative Tumor Epidemiology Branch, National Institutes of Health
Classification: Uncertain significance for Chordoma. Last evaluated: 2021-03-22. Review status: no assertion criteria provided. Collection method: research. Allele origin: germline. Affected: yes. Observed: 1 variant allele. Not counted in ClinVar's aggregate classification.

NM_000059.4(BRCA2):c.2141A>C (p.Glu714Ala)

Gene: BRCA2 (BRCA2 DNA repair associated; plus strand). Cytogenetic location: 13q13.1.
Variant type: single nucleotide variant.
Coding change: c.2141A>C on transcript NM_000059.4 (MANE Select); coding-DNA position 2141, A replaced by C.
Protein change: p.Glu714Ala; replaces glutamic acid 714 with alanine.
Molecular consequence: missense variant.
Genome position (GRCh38, 1-based): chr13:32,336,496, A>C. VCF-style: chr13-32336496-A-C. GRCh37 (hg19) VCF-style: chr13-32910633-A-C.
Other names: c.2141A>C (NM_000059.3); short protein forms E714A.
Identifiers: ClinVar variation 1697217 (VCV001697217.5), dbSNP rs2137483648, ClinGen allele CA387770133.